The following is an entry in ClinVar:

NM_000069.3(CACNA1S):c.2831G>A (p.Cys944Tyr)

Gene: CACNA1S (calcium voltage-gated channel subunit alpha1 S; minus strand). Cytogenetic location: 1q32.1.
Variant type: single nucleotide variant.
Coding change: c.2831G>A on transcript NM_000069.3 (MANE Select); coding-DNA position 2831, G replaced by A.
Protein change: p.Cys944Tyr; replaces cysteine 944 with tyrosine.
Molecular consequence: missense variant.
Genome position (GRCh38, 1-based): chr1:201,065,860, C>T on the plus strand (G>A on the coding strand, the complement: CACNA1S is on the minus strand). VCF-style: chr1-201065860-C-T. GRCh37 (hg19) VCF-style: chr1-201034988-C-T.
Other names: short protein forms C944Y.
Identifiers: ClinVar variation 1017723 (VCV001017723.9), dbSNP rs1661217137, ClinGen allele CA344101345.

ClinVar aggregate classification (germline): Uncertain significance (1 of 4 stars; one submission).

Conditions:
Hypokalemic periodic paralysis, type 1. Also called: HypoPP; Hypokalemic Periodic Paralysis Type 1 (AD). Identifiers: Orphanet 681, MedGen C3714580, MONDO:0042979, OMIM 170400.
Malignant hyperthermia, susceptibility to, 5 (MHS5). Also called: CACNA1S-Related Malignant Hyperthermia Susceptibility. Identifiers: Orphanet 423, MedGen C1866077, MONDO:0011163, OMIM 601887.

gnomAD v4.1: 1 of 1,614,020 alleles (0.000062%); no homozygotes.

Submission:

Labcorp Genetics (formerly Invitae), Labcorp
Classification: Uncertain significance for Hypokalemic periodic paralysis, type 1; Malignant hyperthermia, susceptibility to, 5. Last evaluated: 2022-06-13. Review status: criteria provided, single submitter. Criteria: Invitae Variant Classification Sherloc (09022015). Collection method: clinical testing. Allele origin: germline.
Comment: In summary, the available evidence is currently insufficient to determine the role of this variant in disease. Therefore, it has been classified as a Variant of Uncertain Significance. This sequence change replaces cysteine, which is neutral and slightly polar, with tyrosine, which is neutral and polar, at codon 944 of the CACNA1S protein (p.Cys944Tyr). This variant is not present in population databases (gnomAD no frequency). This variant has not been reported in the literature in individuals affected with CACNA1S-related conditions. ClinVar contains an entry for this variant (Variation ID: 1017723). Advanced modeling of protein sequence and biophysical properties (such as structural, functional, and spatial information, amino acid conservation, physicochemical variation, residue mobility, and thermodynamic stability) performed at Invitae indicates that this missense variant is not expected to disrupt CACNA1S protein function.